The following is an entry in ClinVar:

ClinVar aggregate classification (germline): Uncertain significance. Review status: criteria provided, multiple submitters, no conflicts (2 of 4 stars). 2 submissions from 2 submitters: Uncertain significance (2). Last evaluated 2025-09-12.

Conditions:
Hereditary cancer-predisposing syndrome. Also called: Neoplastic Syndromes, Hereditary; Hereditary Cancer Syndrome; Hereditary neoplastic syndrome; Tumor predisposition. Identifiers: Orphanet 140162, MedGen C0027672, MeSH D009386, MONDO:0015356.
Gastrointestinal stromal tumor. Also called: Gastrointestinal stromal tumor, somatic; Gastrointestinal stroma tumor. Identifiers: Orphanet 44890, MedGen C0238198, MeSH D046152, MONDO:0011719, OMIM 606764, HP:0100723.

Submissions (2):

Ambry Genetics
Classification: Uncertain significance for Hereditary cancer-predisposing syndrome. Last evaluated: 2025-09-12. Review status: criteria provided, single submitter. Criteria: Ambry Variant Classification Scheme 2023. Collection method: clinical testing. Allele origin: germline.
Comment: The p.S1016G variant (also known as c.3046A>G), located in coding exon 21 of the PDGFRA gene, results from an A to G substitution at nucleotide position 3046. The serine at codon 1016 is replaced by glycine, an amino acid with similar properties. This amino acid position is highly conserved in available vertebrate species. In addition, the in silico prediction for this alteration is inconclusive. Based on the available evidence, the clinical significance of this variant remains unclear.

Labcorp Genetics (formerly Invitae), Labcorp
Classification: Uncertain significance for Gastrointestinal stromal tumor. Last evaluated: 2022-11-04. Review status: criteria provided, single submitter. Criteria: Invitae Variant Classification Sherloc (09022015). Collection method: clinical testing. Allele origin: germline.
Comment: In summary, the available evidence is currently insufficient to determine the role of this variant in disease. Therefore, it has been classified as a Variant of Uncertain Significance. Advanced modeling of protein sequence and biophysical properties (such as structural, functional, and spatial information, amino acid conservation, physicochemical variation, residue mobility, and thermodynamic stability) performed at Invitae indicates that this missense variant is not expected to disrupt PDGFRA protein function. ClinVar contains an entry for this variant (Variation ID: 1004757). This variant has not been reported in the literature in individuals affected with PDGFRA-related conditions. This variant is not present in population databases (gnomAD no frequency). This sequence change replaces serine, which is neutral and polar, with glycine, which is neutral and non-polar, at codon 1016 of the PDGFRA protein (p.Ser1016Gly).

NM_006206.6(PDGFRA):c.3046A>G (p.Ser1016Gly)

Gene: PDGFRA (platelet derived growth factor receptor alpha; plus strand). Cytogenetic location: 4q12.
Variant type: single nucleotide variant.
Coding change: c.3046A>G on transcript NM_006206.6 (MANE Select); coding-DNA position 3046, A replaced by G.
Protein change: p.Ser1016Gly; replaces serine 1016 with glycine.
Molecular consequence: missense variant.
Genome position (GRCh38, 1-based): chr4:54,290,478, A>G. VCF-style: chr4-54290478-A-G. GRCh37 (hg19) VCF-style: chr4-55156645-A-G.
Other names: c.3046A>G (NM_006206.4); c.3121A>G, p.Ser1041Gly (NM_001347828.2); c.3046A>G, p.Ser1016Gly (NM_001347829.2); c.3085A>G, p.Ser1029Gly (NM_001347830.2); short protein forms S1016G, S1029G, S1041G.
Identifiers: ClinVar variation 1004757 (VCV001004757.10), dbSNP rs1724573700, ClinGen allele CA356896263.
Genomic context (GRCh38, chr4:54,290,478, plus strand): 5'-GAGGAAGACAAGCTGAAGGACTGGGAGGGTGGTCTGGATGAGCAGAGACTGAGCGCTGAC[A>G]GTGGCTACATCATTCCTCTGCCTGACATTGACCCTGTCCCTGAGGAGGAGGACCTGGGCA-3'
Protein context (NP_006197.1, residues 1006-1026): GLDEQRLSAD[Ser1016Gly]GYIIPLPDID